The following is an entry in ClinVar:

ClinVar aggregate classification (germline): Benign/Likely benign. Review status: criteria provided, multiple submitters, no conflicts (2 of 4 stars). 10 submissions from 10 submitters: Benign (5); Likely benign (2). 3 of the submissions do not count toward it. Last evaluated 2026-07-01.

Conditions:
Autoinflammatory syndrome. Identifiers: Orphanet 93665, MedGen C3890737, MONDO:0019751.
Pityriasis rubra pilaris (PRP). Also called: Pityriasis rubra pilaris--familial type. Identifiers: Orphanet 2897, MedGen C0032027, MONDO:0100017, OMIM 173200, MONDO:0008251.
Psoriasis 2. Identifiers: MedGen C1864497, MONDO:0011269, OMIM 602723.

Allele frequency attached by ClinVar (database versions not stated): gnomAD exomes 0.01115 and 0.01444; ESP Exome Variant Server 0.01269; 1000 Genomes Project 30x 0.00468; 1000 Genomes Project 0.00479; TOPMed 0.00986; gnomAD 0.01085 and 0.01097; ExAC 0.01103.
gnomAD v4.1: 22,721 of 1,614,026 alleles (1.4%); highest among the groups gnomAD compares: Middle Eastern, 4.1%; 213 homozygotes.

Submissions (10):

CeGaT Center for Human Genetics Tuebingen
Classification: Benign. Last evaluated: 2026-07-01. Review status: criteria provided, single submitter. Criteria: CeGaT Center For Human Genetics Tuebingen Variant Classification Criteria Version 2. Collection method: clinical testing. Allele origin: germline. Affected: yes. Observed: 27 variant alleles.
Comment: CARD14: BS1, BS2

Labcorp Genetics (formerly Invitae), Labcorp
Classification: Benign for Pityriasis rubra pilaris; Psoriasis 2. Last evaluated: 2026-02-03. Review status: criteria provided, single submitter. Criteria: Invitae Variant Classification Sherloc (09022015). Collection method: clinical testing. Allele origin: germline.

Women's Health and Genetics/Laboratory Corporation of America, LabCorp
Classification: Likely benign. Last evaluated: 2026-01-22. Review status: criteria provided, single submitter. Criteria: LabCorp Variant Classification Summary - May 2015. Collection method: clinical testing. Allele origin: germline.

Blueprint Genetics
Classification: Likely benign. Last evaluated: 2024-11-27. Review status: criteria provided, single submitter. Criteria: ACMG Guidelines, 2015. Collection method: clinical testing. Allele origin: germline.

Genome Diagnostics Laboratory, The Hospital for Sick Children
Classification: Benign for Autoinflammatory syndrome. Last evaluated: 2022-03-12. Review status: criteria provided, single submitter. Criteria: ACMG Guidelines, 2015. Collection method: clinical testing. Allele origin: germline. Affected: yes.

Mayo Clinic Laboratories, Mayo Clinic
Classification: Benign. Last evaluated: 2018-05-10. Review status: criteria provided, single submitter. Criteria: ACMG Guidelines, 2015. Collection method: clinical testing. Allele origin: germline. Observed: 41 variant alleles.

Breakthrough Genomics
Classification: Benign. Review status: criteria provided, single submitter. Criteria: ACMG Guidelines, 2015. Collection method: not provided. Allele origin: germline. Inheritance: Autosomal dominant inheritance. Affected: yes.

Diagnostic Laboratory, Department of Genetics, University Medical Center Groningen
Classification: Benign. Review status: no assertion criteria provided. Collection method: clinical testing. Allele origin: germline. Affected: yes. Study: VKGL Data-share Consensus. Not counted in ClinVar's aggregate classification.

Genome Diagnostics Laboratory, University Medical Center Utrecht
Classification: Benign. Review status: no assertion criteria provided. Collection method: clinical testing. Allele origin: germline. Affected: yes. Study: VKGL Data-share Consensus. Not counted in ClinVar's aggregate classification.

UniProtKB/Swiss-Prot
No classification provided. Review status: no classification provided. Collection method: not provided. Allele origin: not provided. Not counted in ClinVar's aggregate classification.

NM_001366385.1(CARD14):c.2044C>T (p.Arg682Trp)

Genes: CARD14 (caspase recruitment domain family member 14; plus strand), SGSH (N-sulfoglucosamine sulfohydrolase; minus strand). Cytogenetic location: 17q25.3.
Variant type: single nucleotide variant.
Coding change: c.2044C>T on transcript NM_001366385.1 (MANE Select); coding-DNA position 2044, C replaced by T.
Protein change: p.Arg682Trp; replaces arginine 682 with tryptophan.
Molecular consequence: missense variant. On other transcripts: non-coding transcript variant (1).
Genome position (GRCh38, 1-based): chr17:80,202,245, C>T. VCF-style: chr17-80202245-C-T. GRCh37 (hg19) VCF-style: chr17-78176044-C-T.
Other names: c.2044C>T, p.Arg682Trp (NM_024110.4, NM_001257970.1); short protein forms R682W.
Identifiers: ClinVar variation 68778 (VCV000068778.40), dbSNP rs117918077, ClinGen allele CA219906.